The following is an entry in ClinVar:

NM_001987.5(ETV6):c.943A>G (p.Met315Val)

Gene: ETV6 (ETS variant transcription factor 6; plus strand). Cytogenetic location: 12p13.2.
Variant type: single nucleotide variant.
Coding change: c.943A>G on transcript NM_001987.5 (MANE Select); coding-DNA position 943, A replaced by G.
Protein change: p.Met315Val; replaces methionine 315 with valine.
Molecular consequence: missense variant.
Genome position (GRCh38, 1-based): chr12:11,869,903, A>G. VCF-style: chr12-11869903-A-G. GRCh37 (hg19) VCF-style: chr12-12022837-A-G.
Other names: c.940A>G, p.Met314Val (NM_001413913.1); c.916A>G, p.Met306Val (NM_001413914.1); c.679A>G, p.Met227Val (NM_001413915.1); c.943A>G, p.Met315Val (NM_001413916.1, NM_001413917.1); short protein forms M314V, M306V, M227V, M315V.
Identifiers: ClinVar variation 3684821 (VCV003684821.4).

ClinVar aggregate classification (germline): Uncertain significance. Review status: criteria provided, multiple submitters, no conflicts (2 of 4 stars). 3 submissions from 3 submitters: Uncertain significance (3). Last evaluated 2025-02-07.

Conditions:
Thrombocytopenia 5 (THC5). Also called: THROMBOCYTOPENIA 5 WITH INCREASED SUSCEPTIBILITY TO MALIGNANCY; THROMBOCYTOPENIA, AUTOSOMAL DOMINANT, 5. Identifiers: MedGen C4015537, MONDO:0014536, OMIM 616216.

gnomAD v4.1: 7 of 1,612,412 alleles (0.00043%); highest among the groups gnomAD compares: East Asian, 0.011%; no homozygotes.

Submissions (3):

ARUP Laboratories, Molecular Genetics and Genomics, ARUP Laboratories
Classification: Uncertain significance. Last evaluated: 2025-02-07. Review status: criteria provided, single submitter. Criteria: ARUP Molecular Germline Variant Investigation Process 2024. Collection method: clinical testing. Allele origin: germline.
Comment: The ETV6 c.943A>G; p.Met315Val variant (rs777232904), to our knowledge, is not reported in the medical literature in the context of bone marrow failure or found in gene specific databases. This variant is only observed on four alleles in the Genome Aggregation Database (v2.1.1), indicating it is not a common polymorphism. Computational analyses predict that this variant is neutral (REVEL: 0.129). Due to limited information, the clinical significance of this variant is uncertain at this time.

Labcorp Genetics (formerly Invitae), Labcorp
Classification: Uncertain significance. Last evaluated: 2024-09-21. Review status: criteria provided, single submitter. Criteria: Invitae Variant Classification Sherloc (09022015). Collection method: clinical testing. Allele origin: germline.
Comment: This sequence change replaces methionine, which is neutral and non-polar, with valine, which is neutral and non-polar, at codon 315 of the ETV6 protein (p.Met315Val). This variant is present in population databases (rs777232904, gnomAD 0.01%). This variant has not been reported in the literature in individuals affected with ETV6-related conditions. Invitae Evidence Modeling of protein sequence and biophysical properties (such as structural, functional, and spatial information, amino acid conservation, physicochemical variation, residue mobility, and thermodynamic stability) indicates that this missense variant is not expected to disrupt ETV6 protein function with a negative predictive value of 80%. In summary, the available evidence is currently insufficient to determine the role of this variant in disease. Therefore, it has been classified as a Variant of Uncertain Significance.

Revvity Omics, Revvity
Classification: Uncertain significance for Thrombocytopenia 5. Last evaluated: 2024-04-03. Review status: criteria provided, single submitter. Criteria: ACMG Guidelines, 2015. Collection method: clinical testing. Allele origin: germline.